The following is an entry in ClinVar:

NM_058179.4(PSAT1):c.706A>C (p.Asn236His)

Gene: PSAT1 (phosphoserine aminotransferase 1; plus strand). Cytogenetic location: 9q21.2.
Variant type: single nucleotide variant.
Coding change: c.706A>C on transcript NM_058179.4 (MANE Select); coding-DNA position 706, A replaced by C.
Protein change: p.Asn236His; replaces asparagine 236 with histidine.
Molecular consequence: missense variant.
Genome position (GRCh38, 1-based): chr9:78,308,549, A>C. VCF-style: chr9-78308549-A-C. GRCh37 (hg19) VCF-style: chr9-80923465-A-C.
Other names: c.706A>C, p.Asn236His (NM_021154.5); short protein forms N236H.
Identifiers: ClinVar variation 914615 (VCV000914615.14), dbSNP rs138085071, ClinGen allele CA5095694.

ClinVar aggregate classification (germline): Uncertain significance. Review status: criteria provided, multiple submitters, no conflicts (2 of 4 stars). 3 submissions from 3 submitters: Uncertain significance (2). 1 of the submissions does not count toward it. Last evaluated 2024-10-06.

Conditions:
Neu-Laxova syndrome 2. Identifiers: Orphanet 2671, Orphanet 583602, MedGen C4015019, MONDO:0014466, OMIM 616038.
PSAT deficiency. Identifiers: Orphanet 284417, MedGen C1970253, MONDO:0012596, OMIM 610992.

Allele frequency attached by ClinVar (database versions not stated): gnomAD 0.00001; gnomAD exomes 0.00003 and 0.00006; TOPMed 0.00003; ExAC 0.00010; ESP Exome Variant Server 0.00015.
gnomAD v4.1: 42 of 1,613,880 alleles (0.0026%); highest among the groups gnomAD compares: Non-Finnish European, 0.0033%; no homozygotes.

Submissions (3):

Labcorp Genetics (formerly Invitae), Labcorp
Classification: Uncertain significance for Neu-Laxova syndrome 2. Last evaluated: 2024-10-06. Review status: criteria provided, single submitter. Criteria: Invitae Variant Classification Sherloc (09022015). Collection method: clinical testing. Allele origin: germline.
Comment: This sequence change replaces asparagine, which is neutral and polar, with histidine, which is basic and polar, at codon 236 of the PSAT1 protein (p.Asn236His). This variant is present in population databases (rs138085071, gnomAD 0.01%). This variant has not been reported in the literature in individuals affected with PSAT1-related conditions. ClinVar contains an entry for this variant (Variation ID: 914615). Invitae Evidence Modeling of protein sequence and biophysical properties (such as structural, functional, and spatial information, amino acid conservation, physicochemical variation, residue mobility, and thermodynamic stability) indicates that this missense variant is not expected to disrupt PSAT1 protein function with a negative predictive value of 80%. Experimental studies have shown that this missense change does not substantially affect PSAT1 function (PMID: 32077105). In summary, the available evidence is currently insufficient to determine the role of this variant in disease. Therefore, it has been classified as a Variant of Uncertain Significance.

Illumina Laboratory Services, Illumina
Classification: Uncertain significance for PSAT deficiency. Last evaluated: 2018-01-13. Review status: criteria provided, single submitter. Criteria: ICSL Variant Classification Criteria 13 December 2019. Collection method: clinical testing. Allele origin: germline.

Dudley Research Group, Pacific Northwest Research Institute
No classification provided. Review status: no classification provided. Collection method: research, in vivo. Allele origin: unknown, not applicable. Functional consequence: function_uncertain_variant. Not counted in ClinVar's aggregate classification.

Literature cited by the submitters: PubMed 32077105 (cited by Labcorp Genetics (formerly Invitae), Labcorp).